The following is an entry in ClinVar:

ClinVar aggregate classification (germline): Pathogenic. Review status: criteria provided, multiple submitters, no conflicts (2 of 4 stars). 2 submissions from 2 submitters: Pathogenic (2). Last evaluated 2022-02-02.

Conditions:
Intellectual disability-facial dysmorphism syndrome due to SETD5 haploinsufficiency (MRD23). Also called: Intellectual developmental disorder, autosomal dominant 23. Identifiers: Orphanet 404440, MedGen C3810406, MONDO:0014336, OMIM 615761.

Submissions (2):

Victorian Clinical Genetics Services, Murdoch Childrens Research Institute
Classification: Pathogenic for Intellectual disability-facial dysmorphism syndrome due to SETD5 haploinsufficiency. Last evaluated: 2022-02-02. Review status: criteria provided, single submitter. Criteria: ACMG Guidelines, 2015. Collection method: clinical testing. Allele origin: germline. Inheritance: Autosomal dominant inheritance. Affected: yes.
Comment: Based on the classification scheme VCGS_Germline_v1.3.4, this variant is classified as Pathogenic. Following criteria are met: 0102 - Loss of function is a known mechanism of disease in this gene and is associated with SETD5-related intellectual disability (MIM#615761). (I) 0107 - This gene is associated with autosomal dominant disease. (I) 0201 - Variant is predicted to cause nonsense-mediated decay (NMD) and loss of protein (premature termination codon is located at least 54 nucleotides upstream of the final exon-exon junction). (SP) 0251 - This variant is heterozygous. (I) 0301 - Variant is absent from gnomAD (both v2 and v3). (SP) 0701 - Other NMD-predicted variants comparable to the one identified in this case have very strong previous evidence for pathogenicity. There are at least ten previously reported likely pathogenic or pathogenic NMD-predicted variants (Decipher, ClinVar). (SP) 0803 - This variant has limited previous evidence of pathogenicity in an unrelated individual. This variant has been classified once as pathogenic by a clinical diagnostic laboratory (ClinVar). (SP) 0905 - No published segregation evidence has been identified for this variant. (I) 1007 - No published functional evidence has been identified for this variant. (I) 1208 - Inheritance information for this variant is not currently available in this individual. (I) Legend: (SP) - Supporting pathogenic, (I) - Information, (SB) - Supporting benign

GeneDx
Classification: Pathogenic. Last evaluated: 2018-05-14. Review status: criteria provided, single submitter. Criteria: GeneDx Variant Classification (06012015). Collection method: clinical testing. Allele origin: germline. Affected: yes.
Comment: The S760X variant in the SETD5 gene has not been reported previously as a pathogenic variant nor as a benign variant to our knowledge. This variant is predicted to cause loss of normal protein function either through protein truncation or nonsense-mediated mRNA decay. The S760X variant is not observed in large population cohorts (Lek et al., 2016). We interpret S760X as a pathogenic variant.

NM_001080517.3(SETD5):c.2279C>A (p.Ser760Ter)

Gene: SETD5 (SET domain containing 5; plus strand). Cytogenetic location: 3p25.3.
Variant type: single nucleotide variant.
Coding change: c.2279C>A on transcript NM_001080517.3 (MANE Select); coding-DNA position 2279, C replaced by A.
Protein change: p.Ser760Ter; replaces serine 760 with a stop codon.
Molecular consequence: nonsense.
Genome position (GRCh38, 1-based): chr3:9,448,563, C>A. VCF-style: chr3-9448563-C-A. GRCh37 (hg19) VCF-style: chr3-9490247-C-A.
Other names: c.1985C>A, p.Ser662Ter (NM_001292043.2, NM_001349451.2); short protein forms S760*, S662*.
Identifiers: ClinVar variation 546031 (VCV000546031.5), dbSNP rs1553626575, ClinGen allele CA351701726.